The following is an entry in ClinVar:

NM_005502.4(ABCA1):c.1033A>C (p.Thr345Pro)

Gene: ABCA1 (ATP binding cassette subfamily A member 1; minus strand). Cytogenetic location: 9q31.1.
Variant type: single nucleotide variant.
Coding change: c.1033A>C on transcript NM_005502.4 (MANE Select); coding-DNA position 1033, A replaced by C.
Protein change: p.Thr345Pro; replaces threonine 345 with proline.
Molecular consequence: missense variant.
Genome position (GRCh38, 1-based): chr9:104,840,300, T>G on the plus strand (A>C on the coding strand, the complement: ABCA1 is on the minus strand). VCF-style: chr9-104840300-T-G. GRCh37 (hg19) VCF-style: chr9-107602581-T-G.
Other names: short protein forms T345P.
Identifiers: ClinVar variation 4613270 (VCV004613270.1).

ClinVar aggregate classification (germline): Uncertain significance (1 of 4 stars; one submission).

Conditions:
Cardiovascular phenotype. Identifiers: MedGen CN230736.

gnomAD v4.1: 3 of 1,613,744 alleles (0.00019%); highest among the groups gnomAD compares: Non-Finnish European, 0.00025%; no homozygotes.

Submission:

Ambry Genetics
Classification: Uncertain significance for Cardiovascular phenotype. Last evaluated: 2025-11-10. Review status: criteria provided, single submitter. Criteria: Ambry Variant Classification Scheme 2023. Collection method: clinical testing. Allele origin: germline.
Comment: The p.T345P variant (also known as c.1033A>C), located in coding exon 8 of the ABCA1 gene, results from an A to C substitution at nucleotide position 1033. The threonine at codon 345 is replaced by proline, an amino acid with highly similar properties. This amino acid position is conserved. In addition, this alteration is predicted to be tolerated by in silico analysis. Based on the available evidence, the clinical significance of this variant remains unclear.